The following is an entry in ClinVar:

GRCh38/hg38 6p22.3(chr6:17397932-17966557)x3

Genes: CAP2 (cyclase associated actin cytoskeleton regulatory protein 2; plus strand), FAM8A1 (family with sequence similarity 8 member A1; plus strand), KIF13A (kinesin family member 13A; minus strand), NUP153 (nucleoporin 153; minus strand), NUP153-AS1 (NUP153 antisense RNA 1; plus strand) and 14 more. Cytogenetic location: 6p22.3.
Variant type: copy number gain.
Change: copy number 3 (three copies instead of two) of chr6:17,397,932-17,966,557 (568.6 kb, GRCh38 coordinates, 1-based), cytogenetic band 6p22.3.
Identifiers: ClinVar variation 57174 (VCV000057174.1).

ClinVar aggregate classification (germline): Uncertain significance (1 of 4 stars; one submission).

Submission:

ISCA site 4
Classification: Uncertain significance. Last evaluated: 2011-08-12. Review status: criteria provided, single submitter. Criteria: Kaminsky et al. (Genet Med. 2011). Collection method: clinical testing. Allele origin: unknown. Affected: yes. Observed: 1 variant allele.
Comment: Copy number variation identified through the course of routine clinical cytogenomic testing in postnatal populations. Clinical assertions have been curated as described in Kaminsky et al. 2011.